The following is an entry in ClinVar:

NM_005732.4(RAD50):c.3612_3618+5del

Genes: TH2-LCR (Th2 cytokine locus control region; plus strand), TH2LCRR (T helper type 2 locus control region associated RNA; minus strand), RAD50 (RAD50 double strand break repair protein; plus strand). Cytogenetic location: 5q31.1.
Variant type: Deletion.
Coding change: c.3612_3618+5del on transcript NM_005732.4 (MANE Select); coding-DNA position 3612 through 5 bases into the intron after coding-DNA position 3618, 12 bases deleted (ACAAAAGGCAGG).
Molecular consequence: splice donor variant. On other transcripts: non-coding transcript variant (3).
Genome position (GRCh38, 1-based): chr5:132,638,217-132,638,228, ACAAAAGGCAGG deleted; deleting any 12 consecutive bases within chr5:132,638,215-132,638,228 gives the same sequence; the c. name uses the placement nearest the transcript's 3' end. VCF-style (leftmost placement, unchanged base first): chr5-132638214-TGGACAAAAGGCA-T. GRCh37 (hg19) VCF-style: chr5-131973906-TGGACAAAAGGCA-T.
Other names: c.3612_3618+5del (NM_005732.3).
Identifiers: ClinVar variation 408396 (VCV000408396.18), dbSNP rs995265408, ClinGen allele CA16611861.

ClinVar aggregate classification (germline): Likely pathogenic. Review status: criteria provided, multiple submitters, no conflicts (2 of 4 stars). 4 submissions from 4 submitters: Likely pathogenic (4). Last evaluated 2024-10-27.

Conditions:
Hereditary cancer-predisposing syndrome. Also called: Hereditary Cancer Syndrome; Hereditary neoplastic syndrome; Neoplastic Syndromes, Hereditary; Tumor predisposition. Identifiers: Orphanet 140162, MedGen C0027672, MeSH D009386, MONDO:0015356.
Nijmegen breakage syndrome-like disorder (NBSLD). Also called: MICROCEPHALY AND SPONTANEOUS CHROMOSOME INSTABILITY WITHOUT IMMUNODEFICIENCY; NBS-LIKE DISORDER; RAD50 DEFICIENCY. Identifiers: Orphanet 240760, MedGen C2751318, MONDO:0013118, OMIM 613078.

Submissions (4):

Labcorp Genetics (formerly Invitae), Labcorp
Classification: Likely pathogenic for Hereditary cancer-predisposing syndrome. Last evaluated: 2024-10-27. Review status: criteria provided, single submitter. Criteria: Invitae Variant Classification Sherloc (09022015). Collection method: clinical testing. Allele origin: germline.
Comment: This variant results in the deletion of part of exon 23 (c.3612_3618+5del) of the RAD50 gene. It is expected to disrupt RNA splicing. Variants that disrupt the donor or acceptor splice site typically lead to a loss of protein function (PMID: 16199547), and loss-of-function variants in RAD50 are known to be pathogenic (PMID: 19409520). This variant is present in population databases (no rsID available, gnomAD 0.002%). This variant has not been reported in the literature in individuals affected with RAD50-related conditions. ClinVar contains an entry for this variant (Variation ID: 408396). Studies have shown that this variant is associated with altered splicing resulting in multiple RNA products (internal data). In summary, the currently available evidence indicates that the variant is pathogenic, but additional data are needed to prove that conclusively. Therefore, this variant has been classified as Likely Pathogenic.

Ambry Genetics
Classification: Likely pathogenic for Hereditary cancer-predisposing syndrome. Last evaluated: 2022-11-09. Review status: criteria provided, single submitter. Criteria: Ambry Variant Classification Scheme 2023. Collection method: clinical testing. Allele origin: germline.
Comment: The c.3612_3618+5del12 variant results from a deletion of 12 nucleotides at the splice junction boundary of coding exon 23 and intron 23 of the RAD50 gene. The deleted nucleotide region is well conserved in available vertebrate species. Alterations that disrupt the canonical splice site are expected to cause aberrant splicing, resulting in an abnormal protein or a transcript that is subject to nonsense-mediated mRNA decay. As such, this alteration is classified as likely pathogenic.

Fulgent Genetics
Classification: Likely pathogenic for Nijmegen breakage syndrome-like disorder. Last evaluated: 2022-04-27. Review status: criteria provided, single submitter. Criteria: ACMG Guidelines, 2015. Collection method: clinical testing. Allele origin: unknown.

Baylor Genetics
Classification: Likely pathogenic for Nijmegen breakage syndrome-like disorder. Last evaluated: 2021-08-31. Review status: criteria provided, single submitter. Criteria: ACMG Guidelines, 2015. Collection method: clinical testing. Allele origin: unknown.

Literature cited by the submitters: PubMed 16199547 (cited by Labcorp Genetics (formerly Invitae), Labcorp); PubMed 19409520 (cited by Labcorp Genetics (formerly Invitae), Labcorp).